The following is an entry in ClinVar:

ClinVar aggregate classification (germline): Likely benign (1 of 4 stars; one submission).

Allele frequency attached by ClinVar (database versions not stated): TOPMed 0.00031; gnomAD 0.00034 and 0.00036; 1000 Genomes Project 30x 0.00042.

Submission:

GeneDx
Classification: Likely benign. Last evaluated: 2017-12-13. Review status: criteria provided, single submitter. Criteria: GeneDx Variant Classification (06012015). Collection method: clinical testing. Allele origin: germline. Affected: yes.
Comment: This variant is considered likely benign or benign based on one or more of the following criteria: it is a conservative change, it occurs at a poorly conserved position in the protein, it is predicted to be benign by multiple in silico algorithms, and/or has population frequency not consistent with disease.

NM_001159702.3(FHL1):c.-101+10C>G

Gene: FHL1 (four and a half LIM domains 1; plus strand). Cytogenetic location: Xq26.3.
Variant type: single nucleotide variant.
Coding change: c.-101+10C>G on transcript NM_001159702.3 (MANE Plus Clinical); 10 bases into the intron after 101 bases upstream of the start codon, C replaced by G.
Molecular consequence: intron variant.
Genome position (GRCh38, 1-based): chrX:136,147,638, C>G. VCF-style: chrX-136147638-C-G. GRCh37 (hg19) VCF-style: chrX-135229797-C-G.
Other names: c.-101+10C>G (NM_001449.5, NM_001159703.2).
Identifiers: ClinVar variation 390490 (VCV000390490.3), dbSNP rs1013945435, ClinGen allele CA16608750.
Genomic context (GRCh38, chrX:136,147,638, plus strand): 5'-GGCAGCGGCCGCCGCCGCCGAGACAGCTGCGCGGGCGAGCATCCCCACGCAGTAAGCCCG[C>G]TTTCTTTCCGCTTGTGCGCGCGTGTGTGCCTCCCGCCCGCCGGCGTCCTGGGTCCCGGGG-3'